The following is an entry in ClinVar:

ClinVar aggregate classification (germline): Likely benign. Review status: criteria provided, multiple submitters, no conflicts (2 of 4 stars). 3 submissions from 3 submitters: Likely benign (3). Last evaluated 2025-01-28.

Conditions:
Hereditary cancer-predisposing syndrome. Also called: Tumor predisposition; Hereditary neoplastic syndrome; Neoplastic Syndromes, Hereditary; Hereditary Cancer Syndrome. Identifiers: Orphanet 140162, MedGen C0027672, MeSH D009386, MONDO:0015356.
Retinoblastoma (RB1). Also called: RETINOBLASTOMA, SOMATIC. Identifiers: Orphanet 790, MedGen C0035335, MeSH D012175, MONDO:0008380, OMIM 180200, HP:0009919. Disease mechanism: loss of function. Inheritance: Both sporadic and heritable forms are tested..

Allele frequency attached by ClinVar (database versions not stated): gnomAD exomes below 0.00001; TOPMed below 0.00001; ExAC 0.00001; ESP Exome Variant Server 0.00008.
gnomAD v4.1: 3 of 1,613,676 alleles (0.00019%); highest among the groups gnomAD compares: Non-Finnish European, 0.00025%; no homozygotes.

Submissions (3):

Ambry Genetics
Classification: Likely benign for Hereditary cancer-predisposing syndrome. Last evaluated: 2025-01-28. Review status: criteria provided, single submitter. Criteria: Ambry Variant Classification Scheme 2023. Collection method: clinical testing. Allele origin: germline.

All of Us Research Program, National Institutes of Health
Classification: Likely benign for Retinoblastoma. Last evaluated: 2024-02-22. Review status: criteria provided, single submitter. Criteria: ACMG Guidelines, 2015. Collection method: clinical testing. Allele origin: germline. Inheritance: Autosomal dominant inheritance. Observed: 1 variant allele, 1 heterozygote.
Comment: This study involves interpretation of variants in research participants for the purpose of population health screening. Participant phenotype was not available at the time of variant classification. Additional details can be found in publication PMID: 35346344, PMCID: PMC8962531

Labcorp Genetics (formerly Invitae), Labcorp
Classification: Likely benign for Retinoblastoma. Last evaluated: 2024-01-21. Review status: criteria provided, single submitter. Criteria: Invitae Variant Classification Sherloc (09022015). Collection method: clinical testing. Allele origin: germline.

NM_000321.3(RB1):c.2583A>G (p.Arg861=)

Gene: RB1 (RB transcriptional corepressor 1; plus strand). Cytogenetic location: 13q14.2.
Variant type: single nucleotide variant.
Coding change: c.2583A>G on transcript NM_000321.3 (MANE Select); coding-DNA position 2583, A replaced by G.
Protein change: p.Arg861=; no amino-acid change (arginine 861 retained).
Molecular consequence: synonymous variant.
Genome position (GRCh38, 1-based): chr13:48,476,763, A>G. VCF-style: chr13-48476763-A-G. GRCh37 (hg19) VCF-style: chr13-49050899-A-G.
Other names: c.2583A>G, p.Arg861= (NM_001407165.1); c.33A>G, p.Arg11= (NM_001407168.1).
Identifiers: ClinVar variation 2158712 (VCV002158712.6), dbSNP rs377205343, ClinGen allele CA036241.